The following is an entry in ClinVar:

NM_001378183.1(PIEZO2):c.2483C>G (p.Thr828Ser)

Gene: PIEZO2 (piezo type mechanosensitive ion channel component 2; minus strand). Cytogenetic location: 18p11.22.
Variant type: single nucleotide variant.
Coding change: c.2483C>G on transcript NM_001378183.1 (MANE Select); coding-DNA position 2483, C replaced by G.
Protein change: p.Thr828Ser; replaces threonine 828 with serine.
Molecular consequence: missense variant.
Genome position (GRCh38, 1-based): chr18:10,784,793, G>C on the plus strand (C>G on the coding strand, the complement: PIEZO2 is on the minus strand). VCF-style: chr18-10784793-G-C. GRCh37 (hg19) VCF-style: chr18-10784791-G-C.
Other names: c.2483C>G, p.Thr828Ser (NM_001410871.1, NM_022068.4); short protein forms T828S.
Identifiers: ClinVar variation 1804240 (VCV001804240.2), dbSNP rs775818446, ClinGen allele CA8892657.
Genomic context (GRCh38, chr18:10,784,793, plus strand): 5'-AAGAGCTGCCTTCCTGCTAATAAGAGGTCTGTGTTTCTTCCAGTGGCTCACCTGTAGATG[G>C]TGTTGTCTTCTTTGCTGGGAATGGACTTGAGGTCTGTGAGTTCAAGGAACCGGTCATGGA-3'
Protein context (NP_001365112.1, residues 818-838): LKSIPSKEDN[Thr828Ser]IYSHAKVNGR

ClinVar aggregate classification (germline): Uncertain significance (1 of 4 stars; one submission).

Allele frequency attached by ClinVar (database versions not stated): ExAC 0.00005; gnomAD 0.00001.
gnomAD v4.1: 10 of 1,536,516 alleles (0.00065%); highest among the groups gnomAD compares: South Asian, 0.0083%; no homozygotes.

Submission:

GeneDx
Classification: Uncertain significance. Last evaluated: 2023-02-01. Review status: criteria provided, single submitter. Criteria: GeneDx Variant Classification Process June 2021. Collection method: clinical testing. Allele origin: germline.
Comment: In silico analysis supports that this missense variant does not alter protein structure/function; Has not been previously published as pathogenic or benign to our knowledge